The following is an entry in ClinVar:

NM_014319.5(LEMD3):c.1682C>T (p.Ala561Val)

Gene: LEMD3 (LEM domain containing 3; plus strand). Cytogenetic location: 12q14.3.
Variant type: single nucleotide variant.
Coding change: c.1682C>T on transcript NM_014319.5 (MANE Select); coding-DNA position 1682, C replaced by T.
Protein change: p.Ala561Val; replaces alanine 561 with valine.
Molecular consequence: missense variant.
Genome position (GRCh38, 1-based): chr12:65,218,606, C>T. VCF-style: chr12-65218606-C-T. GRCh37 (hg19) VCF-style: chr12-65612386-C-T.
Other names: c.1679C>T, p.Ala560Val (NM_001167614.2); short protein forms A560V, A561V.
Identifiers: ClinVar variation 2783168 (VCV002783168.3), dbSNP rs780415646, ClinGen allele CA6670996.
Genomic context (GRCh38, chr12:65,218,606, plus strand): 5'-TTCCAGGAGATCATGAATGTGGCAGTTCTAGTCAAAGAACGCTTTCTGTTCAAGAGGCAG[C>T]TGCGTATTTAAAAGTAAGCAATGAAATTAGAATTTTAATAGCTATATTTTAAAAAATTAT-3'
Protein context (NP_055134.2, residues 551-571): SQRTLSVQEA[Ala561Val]AYLKDLGPEY

ClinVar aggregate classification (germline): Uncertain significance (1 of 4 stars; one submission).

Allele frequency attached by ClinVar (database versions not stated): gnomAD exomes below 0.00001; ExAC 0.00001.
gnomAD v4.1: 4 of 1,600,184 alleles (0.00025%); highest among the groups gnomAD compares: Non-Finnish European, 0.00034%; no homozygotes.

Submission:

Labcorp Genetics (formerly Invitae), Labcorp
Classification: Uncertain significance. Last evaluated: 2023-11-01. Review status: criteria provided, single submitter. Criteria: Invitae Variant Classification Sherloc (09022015). Collection method: clinical testing. Allele origin: germline.
Comment: This sequence change replaces alanine, which is neutral and non-polar, with valine, which is neutral and non-polar, at codon 561 of the LEMD3 protein (p.Ala561Val). This variant is present in population databases (rs780415646, gnomAD 0.0009%). This variant has not been reported in the literature in individuals affected with LEMD3-related conditions. Advanced modeling of protein sequence and biophysical properties (such as structural, functional, and spatial information, amino acid conservation, physicochemical variation, residue mobility, and thermodynamic stability) performed at Invitae indicates that this missense variant is not expected to disrupt LEMD3 protein function with a negative predictive value of 80%. In summary, the available evidence is currently insufficient to determine the role of this variant in disease. Therefore, it has been classified as a Variant of Uncertain Significance.